The following is an entry in ClinVar:

ClinVar aggregate classification (germline): Likely pathogenic. Review status: criteria provided, multiple submitters, no conflicts (2 of 4 stars). 2 submissions from 2 submitters: Likely pathogenic (2). Last evaluated 2025-09-08.

Conditions:
Cardiovascular phenotype. Identifiers: MedGen CN230736.
Dilated cardiomyopathy 1G (CMD1G). Identifiers: Orphanet 154, MedGen C1858763, MONDO:0011400, OMIM 604145.
Autosomal recessive limb-girdle muscular dystrophy type 2J (LGMDR10). Also called: Limb-girdle muscular dystrophy, type 2J; MUSCULAR DYSTROPHY, LIMB-GIRDLE, AUTOSOMAL RECESSIVE 10. Identifiers: Orphanet 140922, MedGen C1837342, MONDO:0012127, OMIM 608807.

Submissions (2):

Ambry Genetics
Classification: Likely pathogenic for Cardiovascular phenotype. Last evaluated: 2025-09-08. Review status: criteria provided, single submitter. Criteria: Ambry Variant Classification Scheme 2023. Collection method: clinical testing. Allele origin: germline.
Comment: The p.E22885* variant (also known as c.68653G>T), located in coding exon 172 of the TTN gene, results from a G to T substitution at nucleotide position 68653. This changes the amino acid from a glutamic acid to a stop codon within coding exon 172. This exon is located in the A-band region of the N2-B isoform of the titin protein and is constitutively expressed in TTN transcripts (percent spliced in or PSI 100%). This variant is considered to be rare based on population cohorts in the Genome Aggregation Database (gnomAD). This variant is expected to result in loss of function by premature protein truncation or nonsense-mediated mRNA decay. While truncating variants in TTN are present in 1-3% of the general population, truncating variants in the A-band are the most common cause of dilated cardiomyopathy (Herman DS et al. N. Engl. J. Med., 2012 Feb;366:619-28; Roberts AM et al. Sci Transl Med, 2015 Jan;7:270ra6). TTN truncating variants encoded in constitutive exons (PSI >90%) have been found to be significantly associated with DCM regardless of their position in titin (Schafer S et al. Nat. Genet., 2017 01;49:46-53; Akhtar MM et al. Circ Heart Fail, 2020 Oct;13:e006832; Massier M et al. Clin Genet, 2025 Jan). Based on the majority of available evidence to date, this variant is likely to be pathogenic.

Labcorp Genetics (formerly Invitae), Labcorp
Classification: Likely pathogenic for Dilated cardiomyopathy 1G; Autosomal recessive limb-girdle muscular dystrophy type 2J. Last evaluated: 2022-09-23. Review status: criteria provided, single submitter. Criteria: Invitae Variant Classification Sherloc (09022015). Collection method: clinical testing. Allele origin: germline.
Comment: In summary, the currently available evidence indicates that the variant is pathogenic, but additional data are needed to prove that conclusively. Therefore, this variant has been classified as Likely Pathogenic. This variant is located in the A band of TTN (PMID: 25589632). Truncating variants in this region are significantly overrepresented in patients affected with dilated cardiomyopathy (PMID: 25589632). Truncating variants in this region have also been reported in individuals affected with autosomal recessive centronuclear myopathy (PMID: 23975875). This variant has not been reported in the literature in individuals affected with TTN-related conditions. This variant is not present in population databases (gnomAD no frequency). This sequence change creates a premature translational stop signal (p.Glu31950*) in the TTN gene. While this is not anticipated to result in nonsense mediated decay, it is expected to create a truncated TTN protein.

Literature cited by the submitters: PubMed 25589632 (cited by Labcorp Genetics (formerly Invitae), Labcorp); PubMed 23975875 (cited by Labcorp Genetics (formerly Invitae), Labcorp).

NM_001267550.2(TTN):c.95848G>T (p.Glu31950Ter)

Genes: TTN (titin; minus strand), TTN-AS1 (TTN antisense RNA 1; plus strand). Cytogenetic location: 2q31.2.
Variant type: single nucleotide variant.
Coding change: c.95848G>T on transcript NM_001267550.2 (MANE Select); coding-DNA position 95848, G replaced by T.
Protein change: p.Glu31950Ter; replaces glutamic acid 31950 with a stop codon.
Molecular consequence: nonsense.
Genome position (GRCh38, 1-based): chr2:178,544,381, C>A on the plus strand (G>T on the coding strand, the complement: TTN is on the minus strand). VCF-style: chr2-178544381-C-A. GRCh37 (hg19) VCF-style: chr2-179409108-C-A.
Other names: c.90925G>T, p.Glu30309Ter (NM_001256850.1); c.68653G>T, p.Glu22885Ter (NM_003319.4); c.88144G>T, p.Glu29382Ter (NM_133378.4); c.69028G>T, p.Glu23010Ter (NM_133432.3); c.69229G>T, p.Glu23077Ter (NM_133437.4); short protein forms E23010*, E29382*, E22885*, E30309*, E23077*, E31950*.
Identifiers: ClinVar variation 2032244 (VCV002032244.5), dbSNP rs727505199, ClinGen allele CA349456843.